The following is an entry in ClinVar:

NM_004064.5(CDKN1B):c.456dup (p.Lys153fs)

Gene: CDKN1B (cyclin dependent kinase inhibitor 1B; plus strand). Cytogenetic location: 12p13.1.
Variant type: Duplication.
Coding change: c.456dup on transcript NM_004064.5 (MANE Select); coding-DNA position 456, one base duplicated (G; older notation c.456dupG).
Protein change: p.Lys153fs; shifts the reading frame from lysine 153.
Molecular consequence: frameshift variant.
Genome position (GRCh38, 1-based): chr12:12,718,295, G duplicated; the last of 2 consecutive G bases (chr12:12,718,294-12,718,295); duplicating either gives the same sequence. VCF-style (leftmost placement, unchanged base first): chr12-12718293-A-AG. GRCh37 (hg19) VCF-style: chr12-12871227-A-AG.
Other names: short protein forms K153fs.
Identifiers: ClinVar variation 4727738 (VCV004727738.1).

ClinVar aggregate classification (germline): Uncertain significance (1 of 4 stars; one submission).

Conditions:
Multiple endocrine neoplasia type 4. Also called: MULTIPLE ENDOCRINE NEOPLASIA, TYPE IV. Identifiers: Orphanet 276152, MedGen C1970712, MONDO:0012552, OMIM 610755.

Submission:

Labcorp Genetics (formerly Invitae), Labcorp
Classification: Uncertain significance for Multiple endocrine neoplasia type 4. Last evaluated: 2025-09-23. Review status: criteria provided, single submitter. Criteria: Invitae Variant Classification Sherloc (09022015). Collection method: clinical testing. Allele origin: germline.
Comment: This sequence change is expected to alter the c-terminus of the CDKN1B protein (p.Lys153Glufs*52). While this is not anticipated to result in nonsense mediated decay, it is expected to disrupt the last 46 amino acid(s) of the CDKN1B protein and extend the protein by 5 additional amino acid residues. This variant is not present in population databases (gnomAD no frequency). This variant has not been reported in the literature in individuals affected with CDKN1B-related conditions. Experimental studies and prediction algorithms are not available or were not evaluated, and the functional significance of this variant is currently unknown. In summary, the available evidence is currently insufficient to determine the role of this variant in disease. Therefore, it has been classified as a Variant of Uncertain Significance.